The following is an entry in ClinVar:

NM_032273.4(TMEM126A):c.562T>A (p.Ser188Thr)

Gene: TMEM126A (transmembrane protein 126A; plus strand). Cytogenetic location: 11q14.1.
Variant type: single nucleotide variant.
Coding change: c.562T>A on transcript NM_032273.4 (MANE Select); coding-DNA position 562, T replaced by A.
Protein change: p.Ser188Thr; replaces serine 188 with threonine.
Molecular consequence: missense variant.
Genome position (GRCh38, 1-based): chr11:85,656,475, T>A. VCF-style: chr11-85656475-T-A. GRCh37 (hg19) VCF-style: chr11-85367519-T-A.
Other names: p.S188T:TCT>ACT; c.352T>A, p.Ser118Thr (NM_001244735.2); short protein forms S188T, S118T.
Identifiers: ClinVar variation 137671 (VCV000137671.39), dbSNP rs34397695, ClinGen allele CA291327.

ClinVar aggregate classification (germline): Benign/Likely benign. Review status: criteria provided, multiple submitters, no conflicts (2 of 4 stars). 6 submissions from 6 submitters: Benign (2); Likely benign (3). 1 of the submissions does not count toward it. Last evaluated 2026-01-22.

Conditions:
TMEM126A-related disorder. Also called: TMEM126A-related condition.
Autosomal recessive optic atrophy, OPA7 type. Also called: OPTIC ATROPHY 7 WITH OR WITHOUT AUDITORY NEUROPATHY. Identifiers: Orphanet 227976, Orphanet 98676, MedGen C2751812, MONDO:0013069, OMIM 612989.

Allele frequency attached by ClinVar (database versions not stated): gnomAD exomes 0.00059; ExAC 0.00087; 1000 Genomes Project 0.00120; 1000 Genomes Project 30x 0.00125; gnomAD 0.00214 and 0.00240; TOPMed 0.00246; ESP Exome Variant Server 0.00269.
gnomAD v4.1: 599 of 1,613,134 alleles (0.037%); highest among the groups gnomAD compares: African/African-American, 0.72%; 2 homozygotes.

Submissions (6):

Labcorp Genetics (formerly Invitae), Labcorp
Classification: Benign. Last evaluated: 2026-01-22. Review status: criteria provided, single submitter. Criteria: Invitae Variant Classification Sherloc (09022015). Collection method: clinical testing. Allele origin: germline.

Blueprint Genetics
Classification: Likely benign. Last evaluated: 2024-11-25. Review status: criteria provided, single submitter. Criteria: ACMG Guidelines, 2015. Collection method: clinical testing. Allele origin: germline.

CeGaT Center for Human Genetics Tuebingen
Classification: Likely benign. Last evaluated: 2023-02-01. Review status: criteria provided, single submitter. Criteria: CeGaT Center For Human Genetics Tuebingen Variant Classification Criteria Version 2. Collection method: clinical testing. Allele origin: germline. Affected: yes. Observed: 1 variant allele.
Comment: TMEM126A: BP4

Illumina Laboratory Services, Illumina
Classification: Likely benign for Autosomal recessive optic atrophy, OPA7 type. Last evaluated: 2018-01-13. Review status: criteria provided, single submitter. Criteria: ICSL Variant Classification Criteria 13 December 2019. Collection method: clinical testing. Allele origin: germline.
Comment: This variant was observed in the ICSL laboratory as part of a predisposition screen in an ostensibly healthy population. It had not been previously curated by ICSL or reported in the Human Gene Mutation Database (HGMD: prior to June 1st, 2018), and was therefore a candidate for classification through an automated scoring system. Utilizing variant allele frequency, disease prevalence and penetrance estimates, and inheritance mode, an automated score was calculated to assess if this variant is too frequent to cause the disease. Based on the score and internal cut-off values, a variant classified as likely benign is not then subjected to further curation. The score for this variant resulted in a classification of likely benign for this disease.

GeneDx
Classification: Benign. Last evaluated: 2013-01-30. Review status: criteria provided, single submitter. Criteria: GeneDx Variant Classification (06012015). Collection method: clinical testing. Allele origin: germline. Affected: yes.
Comment: This variant is considered likely benign or benign based on one or more of the following criteria: it is a conservative change, it occurs at a poorly conserved position in the protein, it is predicted to be benign by multiple in silico algorithms, and/or has population frequency not consistent with disease.

PreventionGenetics, part of Exact Sciences
Classification: Benign for TMEM126A-related condition. Last evaluated: 2019-12-10. Review status: no assertion criteria provided. Collection method: clinical testing. Allele origin: germline. Not counted in ClinVar's aggregate classification.
Comment: This variant is classified as benign based on ACMG/AMP sequence variant interpretation guidelines (Richards et al. 2015 PMID: 25741868, with internal and published modifications).